The following is an entry in ClinVar:

ClinVar aggregate classification (germline): Uncertain significance. Review status: criteria provided, multiple submitters, no conflicts (2 of 4 stars). 2 submissions from 2 submitters: Uncertain significance (2). Last evaluated 2023-05-02.

Conditions:
Hypotonia, infantile, with psychomotor retardation and characteristic facies 1 (INNFD). Identifiers: Orphanet 371364, Orphanet 700336, MedGen C3809454, MONDO:0024567, OMIM 615419.

Submissions (2):

Broad Center for Mendelian Genomics, Broad Institute of MIT and Harvard
Classification: Uncertain significance for Hypotonia, infantile, with psychomotor retardation and characteristic facies 1. Last evaluated: 2023-05-02. Review status: criteria provided, single submitter. Criteria: ACMG Guidelines, 2015. Collection method: curation. Allele origin: germline. Inheritance: Autosomal recessive inheritance.
Comment: The homozygous c.2364+4A>T variant in NALCN was identified by our study in three siblings with microcephaly, hypotonia, and neurodevelopmental delay. The c.2364+4A>T variant in NALCN has not been previously reported in individuals with infantile hypotonia with psychomotor retardation and characteristic facies 1. This variant is absent in population databases. This variant has also been reported in ClinVar (Variation ID: 1303867) and was interpreted as a variant of uncertain significance by GeneDx. This variant segregated with disease in the three affected siblings in the family identified by this study. This variant is located in the 5' splice region. Computational tools do suggest an impact to splicing. However, this information is not predictive enough to determine pathogenicity. In summary, while there is some suspicion for a pathogenic role, the clinical significance of this variant is uncertain. ACMG/AMP Criteria applied: PM2_Supporting, PM3_Supporting, PP1, PP3 (Richards 2015).

GeneDx
Classification: Uncertain significance. Last evaluated: 2022-11-30. Review status: criteria provided, single submitter. Criteria: GeneDx Variant Classification Process June 2021. Collection method: clinical testing. Allele origin: germline. Affected: yes.
Comment: Not observed in large population cohorts (gnomAD); Has not been previously published as pathogenic or benign to our knowledge; In silico analysis is inconclusive as to whether the variant alters gene splicing. In the absence of RNA/functional studies, the actual effect of this sequence change is unknown.

NM_052867.4(NALCN):c.2364+4A>T

Gene: NALCN (sodium leak channel, non-selective; minus strand). Cytogenetic location: 13q33.1.
Variant type: single nucleotide variant.
Coding change: c.2364+4A>T on transcript NM_052867.4 (MANE Select); 4 bases into the intron after coding-DNA position 2364, A replaced by T.
Molecular consequence: intron variant.
Genome position (GRCh38, 1-based): chr13:101,110,615, T>A on the plus strand (A>T on the coding strand, the complement: NALCN is on the minus strand). VCF-style: chr13-101110615-T-A. GRCh37 (hg19) VCF-style: chr13-101762966-T-A.
Other names: c.2277+4A>T (NM_001350751.2, NM_001350750.2); c.2364+4A>T (NM_001350749.2); c.2451+4A>T (NM_001350748.2).
Identifiers: ClinVar variation 1303867 (VCV001303867.3), dbSNP rs2139645297, ClinGen allele CA2573053770.